The following is an entry in ClinVar:

ClinVar aggregate classification (germline): Benign. Review status: criteria provided, multiple submitters, no conflicts (2 of 4 stars). 17 submissions from 17 submitters: Benign (12). 5 of the submissions do not count toward it. Last evaluated 2026-02-04.

Conditions:
APC-Associated Polyposis Disorders.
Hereditary cancer-predisposing syndrome. Also called: Tumor predisposition; Hereditary Cancer Syndrome; Hereditary neoplastic syndrome; Neoplastic Syndromes, Hereditary. Identifiers: Orphanet 140162, MedGen C0027672, MeSH D009386, MONDO:0015356.
Familial adenomatous polyposis 1 (FAP1). Also called: FAMILIAL ADENOMATOUS POLYPOSIS 1, ATTENUATED; POLYPOSIS, ADENOMATOUS INTESTINAL. Identifiers: MedGen C2713442, MONDO:0021056, OMIM 175100. Disease mechanism: loss of function.

Allele frequency attached by ClinVar (database versions not stated): gnomAD exomes 0.00097 and 0.00304; ExAC 0.00351; gnomAD 0.01095 and 0.01174; ESP Exome Variant Server 0.01207; TOPMed 0.01214; 1000 Genomes Project 0.01418; 1000 Genomes Project 30x 0.01468.
gnomAD v4.1: 3,168 of 1,613,316 alleles (0.2%); highest among the groups gnomAD compares: African/African-American, 3.6%; 57 homozygotes.

Submissions (17):

Labcorp Genetics (formerly Invitae), Labcorp
Classification: Benign for Familial adenomatous polyposis 1. Last evaluated: 2026-02-04. Review status: criteria provided, single submitter. Criteria: Invitae Variant Classification Sherloc (09022015). Collection method: clinical testing. Allele origin: germline.

Center for Genomic Medicine, Rigshospitalet, Copenhagen University Hospital
Classification: Benign. Last evaluated: 2025-03-04. Review status: criteria provided, single submitter. Criteria: ACMG Guidelines, 2015. Collection method: clinical testing. Allele origin: germline.

Myriad Genetics, Inc.
Classification: Benign for Familial adenomatous polyposis 1. Last evaluated: 2024-03-22. Review status: criteria provided, single submitter. Criteria: Myriad Autosomal Dominant, Autosomal Recessive and X-Linked Classification Criteria (2023). Collection method: clinical testing. Allele origin: unknown.
Comment: This variant is considered benign. This variant is a silent/synonymous amino acid change and it is not expected to impact splicing.

KCCC/NGS Laboratory, Kuwait Cancer Control Center
Classification: Benign for Familial adenomatous polyposis 1. Last evaluated: 2023-07-07. Review status: criteria provided, single submitter. Criteria: ACMG Guidelines, 2015. Collection method: clinical testing. Allele origin: germline. Affected: yes.

Institute for Biomarker Research, Medical Diagnostic Laboratories, L.L.C.
Classification: Benign for Hereditary cancer-predisposing syndrome. Last evaluated: 2022-09-08. Review status: criteria provided, single submitter. Criteria: ACMG Guidelines, 2015. Collection method: clinical testing. Allele origin: germline.

ARUP Laboratories, Molecular Genetics and Genomics, ARUP Laboratories
Classification: Benign. Last evaluated: 2018-07-15. Review status: criteria provided, single submitter. Criteria: ARUP Molecular Germline Variant Investigation Process. Collection method: clinical testing. Allele origin: germline.

Illumina Laboratory Services, Illumina
Classification: Benign for APC-Associated Polyposis Disorders. Last evaluated: 2018-01-12. Review status: criteria provided, single submitter. Criteria: ICSL Variant Classification Criteria 13 December 2019. Collection method: clinical testing. Allele origin: germline.
Comment: This variant was observed in the ICSL laboratory as part of a predisposition screen in an ostensibly healthy population. It had not been previously curated by ICSL or reported in the Human Gene Mutation Database (HGMD: prior to June 1st, 2018), and was therefore a candidate for classification through an automated scoring system. Utilizing variant allele frequency, disease prevalence and penetrance estimates, and inheritance mode, an automated score was calculated to assess if this variant is too frequent to cause the disease. Based on the score and internal cut-off values, a variant classified as benign is not then subjected to further curation. The score for this variant resulted in a classification of benign for this disease.

Eurofins Ntd Llc (ga)
Classification: Benign. Last evaluated: 2017-02-01. Review status: criteria provided, single submitter. Criteria: EGL Classification Definitions 2015. Collection method: clinical testing. Allele origin: germline. Observed: 2 variant alleles, 2 heterozygotes.

PreventionGenetics, part of Exact Sciences
Classification: Benign. Last evaluated: 2017-01-30. Review status: criteria provided, single submitter. Criteria: ACMG Guidelines, 2015. Collection method: clinical testing. Allele origin: germline.

Color Diagnostics, LLC DBA Color Health
Classification: Benign for Hereditary cancer-predisposing syndrome. Last evaluated: 2016-03-18. Review status: criteria provided, single submitter. Criteria: ACMG Guidelines, 2015. Collection method: clinical testing. Allele origin: germline.

GeneDx
Classification: Benign. Last evaluated: 2015-03-03. Review status: criteria provided, single submitter. Criteria: GeneDx Variant Classification Process June 2021. Collection method: clinical testing. Allele origin: germline. Affected: yes.

Ambry Genetics
Classification: Benign for Hereditary cancer-predisposing syndrome. Last evaluated: 2014-08-14. Review status: criteria provided, single submitter. Criteria: Ambry Variant Classification Scheme 2023. Collection method: clinical testing. Allele origin: germline.

True Health Diagnostics
Classification: Likely benign for Hereditary cancer-predisposing syndrome. Last evaluated: 2018-01-05. Review status: no assertion criteria provided. Collection method: clinical testing. Allele origin: germline. Not counted in ClinVar's aggregate classification.

Clinical Genetics, Academic Medical Center
Classification: Benign. Review status: no assertion criteria provided. Collection method: clinical testing. Allele origin: germline. Affected: yes. Study: VKGL Data-share Consensus. Not counted in ClinVar's aggregate classification.

Department of Pathology and Laboratory Medicine, Sinai Health System
Classification: Benign. Review status: no assertion criteria provided. Collection method: clinical testing. Allele origin: unknown. Affected: yes. Study: The Canadian Open Genetics Repository (COGR). Not counted in ClinVar's aggregate classification.
Comment: The APC p.Gln1244Gln variant is not expected to have clinical significance because it does not result in a change of amino acid and is not located in a known consensus splice site. The variant was identified in the dbSNP (ID: rs74380081) â€šÃ„Ãºwith benign alleleâ€šÃ„Ã¹, the ClinVar database (classified as â€šÃ„Ãºbenignâ€šÃ„Ã¹ by Ambry Genetics), the Clinvitae database (classified as a â€šÃ„Ãºvariant of unknown significance by Emory Genetics), and the UMD (3X, classified as â€šÃ„Ãºlikely neutralâ€šÃ„Ã¹). In the UMD database, the variant was identified with a co-occurring pathogenic APC variant (c.4666delA (p.Thr1556LeufsX9)), increasing the likelihood that the p.Gln1244Gln variant does not have clinical significance. In addition, the variant was identified in several populations at polymorphic allelic frequencies: 1000 Genomes Project (frequency: 0.014), the African population in the Exome Aggregation Consortium (ExAC) database (frequency: 0.038), and the African American cohort of the Exome Variant Server ESP Project (frequency: 0.036). The variant was not identified in the literature, nor was it identified in any of the following databases: InSiGHT Colon Cancer Gene Variant Database, â€šÃ„ÃºZhejiang Colon Cancer Databaseâ€šÃ„Ã¹, GeneInsight COGR database, COSMIC. The variant occurs outside of the splicing consensus sequence and 1 of 5 in silico or computational prediction software programs (SpliceSiteFinder, MaxEntScan, NNSPLICE, GeneSplicer, HumanSpliceFinder) predict the creation of a potential cryptic 3â€šÃ„Ã´ (splice donor) site; however, this is not very predictive of pathogenicity. In summary, based on the above information, this variant meets our laboratory's criteria to be classified as benign.

Genome Diagnostics Laboratory, Amsterdam University Medical Center
Classification: Benign. Review status: no assertion criteria provided. Collection method: clinical testing. Allele origin: germline. Affected: yes. Study: VKGL Data-share Consensus. Not counted in ClinVar's aggregate classification.

Mayo Clinic Laboratories, Mayo Clinic
Classification: Benign. Review status: no assertion criteria provided. Collection method: clinical testing. Allele origin: unknown. Not counted in ClinVar's aggregate classification.

NM_000038.6(APC):c.3732A>G (p.Gln1244=)

Gene: APC (APC regulator of Wnt signaling pathway; plus strand). Cytogenetic location: 5q22.2.
Variant type: single nucleotide variant.
Coding change: c.3732A>G on transcript NM_000038.6 (MANE Select); coding-DNA position 3732, A replaced by G.
Protein change: p.Gln1244=; no amino-acid change (glutamine 1244 retained).
Molecular consequence: synonymous variant.
Genome position (GRCh38, 1-based): chr5:112,839,326, A>G. VCF-style: chr5-112839326-A-G. GRCh37 (hg19) VCF-style: chr5-112175023-A-G.
Other names: c.3732A>G, p.Gln1244= (NM_001127510.3, NM_001354895.2); c.3678A>G, p.Gln1226= (NM_001127511.3); c.3786A>G, p.Gln1262= (NM_001354896.2); c.3762A>G, p.Gln1254= (NM_001354897.2); c.3657A>G, p.Gln1219= (NM_001354898.2); c.3648A>G, p.Gln1216= (NM_001354899.2); c.3609A>G, p.Gln1203= (NM_001354900.2); c.3555A>G, p.Gln1185= (NM_001354901.2); and 5 more.
Identifiers: ClinVar variation 183767 (VCV000183767.43), dbSNP rs74380081, ClinGen allele CA008657.
Genomic context (GRCh38, chr5:112,839,326, plus strand): 5'-TGCCAAGAGGCAGAATCAGCTCCATCCAAGTTCTGCACAGAGTAGAAGTGGTCAGCCTCA[A>G]AAGGCTGCCACTTGCAAAGTTTCTTCTATTAACCAAGAAACAATACAGACTTATTGTGTA-3'
Protein context (NP_000029.2, residues 1234-1254): SSAQSRSGQP[Gln1244=]KAATCKVSSI